The following is an entry in ClinVar:

ClinVar aggregate classification (germline): Conflicting classifications of pathogenicity. Review status: criteria provided, conflicting classifications (1 of 4 stars). 6 submissions from 6 submitters: Uncertain significance (1); Benign (2); Likely benign (2). 1 of the submissions does not count toward it. Last evaluated 2025-08-24.

Conditions:
AFG3L2-related disorder. Also called: AFG3L2-related condition.
Spinocerebellar ataxia type 28 (SCA28). Also called: Spinocerebellar Ataxia Type 28 (SCA28). Identifiers: Orphanet 101109, MedGen C1853249, MONDO:0012450, OMIM 610246.

Allele frequency attached by ClinVar (database versions not stated): gnomAD exomes 0.00009 and 0.00018; ExAC 0.00021; ESP Exome Variant Server 0.00054; 1000 Genomes Project 30x 0.00062; gnomAD 0.00066 and 0.00069; 1000 Genomes Project 0.00080; TOPMed 0.00085.
gnomAD v4.1: 239 of 1,614,094 alleles (0.015%); highest among the groups gnomAD compares: African/African-American, 0.2%; 1 homozygote.

Submissions (6):

Labcorp Genetics (formerly Invitae), Labcorp
Classification: Likely benign. Last evaluated: 2025-08-24. Review status: criteria provided, single submitter. Criteria: Invitae Variant Classification Sherloc (09022015). Collection method: clinical testing. Allele origin: germline.

Mayo Clinic Laboratories, Mayo Clinic
Classification: Likely benign. Last evaluated: 2025-08-04. Review status: criteria provided, single submitter. Criteria: ACMG Guidelines, 2015. Collection method: clinical testing. Allele origin: germline. Observed: 1 variant allele.
Comment: BS1, BP4

GeneDx
Classification: Uncertain significance. Last evaluated: 2024-12-13. Review status: criteria provided, single submitter. Criteria: GeneDx Variant Classification Process June 2021. Collection method: clinical testing. Allele origin: germline. Affected: yes.
Comment: Has not been previously published as pathogenic or benign to our knowledge; In silico analysis indicates that this missense variant does not alter protein structure/function

Illumina Laboratory Services, Illumina
Classification: Benign for Spinocerebellar ataxia type 28. Last evaluated: 2018-01-12. Review status: criteria provided, single submitter. Criteria: ICSL Variant Classification Criteria 13 December 2019. Collection method: clinical testing. Allele origin: germline.
Comment: This variant was observed in the ICSL laboratory as part of a predisposition screen in an ostensibly healthy population. It had not been previously curated by ICSL or reported in the Human Gene Mutation Database (HGMD: prior to June 1st, 2018), and was therefore a candidate for classification through an automated scoring system. Utilizing variant allele frequency, disease prevalence and penetrance estimates, and inheritance mode, an automated score was calculated to assess if this variant is too frequent to cause the disease. Based on the score and internal cut-off values, a variant classified as benign is not then subjected to further curation. The score for this variant resulted in a classification of benign for this disease.

Athena Diagnostics
Classification: Benign. Last evaluated: 2017-12-21. Review status: criteria provided, single submitter. Criteria: Athena Diagnostics Criteria. Collection method: clinical testing. Allele origin: germline.

PreventionGenetics, part of Exact Sciences
Classification: Likely benign for AFG3L2-related condition. Last evaluated: 2022-05-10. Review status: no assertion criteria provided. Collection method: clinical testing. Allele origin: germline. Not counted in ClinVar's aggregate classification.
Comment: This variant is classified as likely benign based on ACMG/AMP sequence variant interpretation guidelines (Richards et al. 2015 PMID: 25741868, with internal and published modifications).

NM_006796.3(AFG3L2):c.793G>A (p.Ala265Thr)

Gene: AFG3L2 (AFG3 like matrix AAA peptidase subunit 2; minus strand). Cytogenetic location: 18p11.21.
Variant type: single nucleotide variant.
Coding change: c.793G>A on transcript NM_006796.3 (MANE Select); coding-DNA position 793, G replaced by A.
Protein change: p.Ala265Thr; replaces alanine 265 with threonine.
Molecular consequence: missense variant.
Genome position (GRCh38, 1-based): chr18:12,358,903, C>T on the plus strand (G>A on the coding strand, the complement: AFG3L2 is on the minus strand). VCF-style: chr18-12358903-C-T. GRCh37 (hg19) VCF-style: chr18-12358902-C-T.
Other names: p.Ala265Thr; short protein forms A265T.
Identifiers: ClinVar variation 326107 (VCV000326107.22), dbSNP rs149605021, ClinGen allele CA8896651.